The following is an entry in ClinVar:

NM_033305.3(VPS13A):c.385+6_385+15del

Gene: VPS13A (vacuolar protein sorting 13 homolog A; plus strand). Cytogenetic location: 9q21.2.
Variant type: Deletion.
Coding change: c.385+6_385+15del on transcript NM_033305.3 (MANE Select); bases 6 to 15 of the intron after coding-DNA position 385, 10 bases deleted (GAAAACAGTA; older notation c.385+6_385+15delGAAAACAGTA).
Molecular consequence: intron variant.
Genome position (GRCh38, 1-based): chr9:77,206,085-77,206,094, GAAAACAGTA deleted; deleting any 10 consecutive bases within chr9:77,206,084-77,206,094 gives the same sequence; the c. name uses the placement nearest the transcript's 3' end. VCF-style (leftmost placement, unchanged base first): chr9-77206083-AAGAAAACAGT-A. GRCh37 (hg19) VCF-style: chr9-79820999-AAGAAAACAGT-A.
Other names: p.?; c.385+6_385+15del10 (NM_033305.2); c.385+6_385+15del (NM_033305.2, NM_001018037.2, NM_015186.4 and 1 more transcripts).
Identifiers: ClinVar variation 1170453 (VCV001170453.20), dbSNP rs72275336, ClinGen allele CA5091323.

ClinVar aggregate classification (germline): Benign/Likely benign. Review status: criteria provided, multiple submitters, no conflicts (2 of 4 stars). 9 submissions from 9 submitters: Benign (5); Likely benign (1). 3 of the submissions do not count toward it. Last evaluated 2026-01-31.

Conditions:
VPS13A-related neurodegenerative disease. Also called: ACANTHOCYTOSIS WITH NEUROLOGIC DISORDER; Choreoacanthocytosis; Chorea-acanthocytosis; LEVINE-CRITCHLEY SYNDROME; VPS13A Disease; Choreaacanthocytosis. Identifiers: Orphanet 2388, MedGen C0393576, MONDO:0008695, OMIM 200150.

Submissions (9):

Labcorp Genetics (formerly Invitae), Labcorp
Classification: Benign. Last evaluated: 2026-01-31. Review status: criteria provided, single submitter. Criteria: Invitae Variant Classification Sherloc (09022015). Collection method: clinical testing. Allele origin: germline.

Athena Diagnostics
Classification: Benign. Last evaluated: 2025-04-14. Review status: criteria provided, single submitter. Criteria: Athena Diagnostics Criteria. Collection method: clinical testing. Allele origin: unknown.
Comment: The frequency of this variant in the general population is higher than would generally be expected for pathogenic variants in this gene.

Blueprint Genetics
Classification: Likely benign. Last evaluated: 2024-11-27. Review status: criteria provided, single submitter. Criteria: ACMG Guidelines, 2015. Collection method: clinical testing. Allele origin: germline.

Mayo Clinic Laboratories, Mayo Clinic
Classification: Benign. Last evaluated: 2023-04-20. Review status: criteria provided, single submitter. Criteria: ACMG Guidelines, 2015. Collection method: clinical testing. Allele origin: germline. Observed: 8 variant alleles.
Comment: BS1, BS2

Women's Health and Genetics/Laboratory Corporation of America, LabCorp
Classification: Benign. Last evaluated: 2023-02-13. Review status: criteria provided, single submitter. Criteria: LabCorp Variant Classification Summary - May 2015. Collection method: clinical testing. Allele origin: germline.

GeneDx
Classification: Benign. Last evaluated: 2018-11-28. Review status: criteria provided, single submitter. Criteria: GeneDx Variant Classification Process June 2021. Collection method: clinical testing. Allele origin: germline. Affected: yes.

Natera, Inc.
Classification: Benign for Choreaacanthocytosis. Last evaluated: 2019-09-27. Review status: no assertion criteria provided. Collection method: clinical testing. Allele origin: germline. Not counted in ClinVar's aggregate classification.

Diagnostic Laboratory, Department of Genetics, University Medical Center Groningen
Classification: Likely benign. Review status: no assertion criteria provided. Collection method: clinical testing. Allele origin: germline. Affected: yes. Study: VKGL Data-share Consensus. Not counted in ClinVar's aggregate classification.

Genome Diagnostics Laboratory, Amsterdam University Medical Center
Classification: Likely benign. Review status: no assertion criteria provided. Collection method: clinical testing. Allele origin: germline. Affected: yes. Study: VKGL Data-share Consensus. Not counted in ClinVar's aggregate classification.